The following is an entry in ClinVar:

NM_000218.3(KCNQ1):c.1936G>T (p.Gly646Cys)

Genes: KCNQ1 (potassium voltage-gated channel subfamily Q member 1; plus strand), KCNQ1-AS1 (KCNQ1 antisense RNA 1; minus strand). Cytogenetic location: 11p15.4.
Variant type: single nucleotide variant.
Coding change: c.1936G>T on transcript NM_000218.3 (MANE Select); coding-DNA position 1936, G replaced by T.
Protein change: p.Gly646Cys; replaces glycine 646 with cysteine.
Molecular consequence: missense variant.
Genome position (GRCh38, 1-based): chr11:2,847,908, G>T. VCF-style: chr11-2847908-G-T. GRCh37 (hg19) VCF-style: chr11-2869138-G-T.
Other names: c.1840G>T, p.Gly614Cys (NM_001406836.1); c.1666G>T, p.Gly556Cys (NM_001406837.1); c.1396G>T, p.Gly466Cys (NM_001406838.1); c.448G>T, p.Gly150Cys (NM_001406839.1); c.1555G>T, p.Gly519Cys (NM_181798.2); short protein forms G646C, G519C, G150C, G466C, G614C, G556C.
Identifiers: ClinVar variation 1439958 (VCV001439958.8), dbSNP rs763478809, ClinGen allele CA379140465.

ClinVar aggregate classification (germline): Uncertain significance (1 of 4 stars; one submission).

Conditions:
Long QT syndrome (LQTS). Identifiers: MedGen C0023976, MeSH D008133, MONDO:0002442. Disease mechanism: loss of function. Inheritance: Various modes of inheritance.

gnomAD v4.1: 1 of 1,577,618 alleles (0.000063%); highest among the groups gnomAD compares: Non-Finnish European, 0.000086%; no homozygotes.

Submission:

Labcorp Genetics (formerly Invitae), Labcorp
Classification: Uncertain significance for Long QT syndrome. Last evaluated: 2025-01-31. Review status: criteria provided, single submitter. Criteria: Invitae Variant Classification Sherloc (09022015). Collection method: clinical testing. Allele origin: germline.
Comment: This sequence change replaces glycine, which is neutral and non-polar, with cysteine, which is neutral and slightly polar, at codon 646 of the KCNQ1 protein (p.Gly646Cys). This variant is not present in population databases (gnomAD no frequency). This variant has not been reported in the literature in individuals affected with KCNQ1-related conditions. ClinVar contains an entry for this variant (Variation ID: 1439958). Invitae Evidence Modeling of protein sequence and biophysical properties (such as structural, functional, and spatial information, amino acid conservation, physicochemical variation, residue mobility, and thermodynamic stability) indicates that this missense variant is not expected to disrupt KCNQ1 protein function with a negative predictive value of 95%. In summary, the available evidence is currently insufficient to determine the role of this variant in disease. Therefore, it has been classified as a Variant of Uncertain Significance.